The following is an entry in ClinVar:

NM_001376.5(DYNC1H1):c.11218C>T (p.Leu3740Phe)

Gene: DYNC1H1 (dynein cytoplasmic 1 heavy chain 1; plus strand). Cytogenetic location: 14q32.31.
Variant type: single nucleotide variant.
Coding change: c.11218C>T on transcript NM_001376.5 (MANE Select); coding-DNA position 11218, C replaced by T.
Protein change: p.Leu3740Phe; replaces leucine 3740 with phenylalanine.
Molecular consequence: missense variant.
Genome position (GRCh38, 1-based): chr14:102,039,012, C>T. VCF-style: chr14-102039012-C-T. GRCh37 (hg19) VCF-style: chr14-102505349-C-T.
Other names: short protein forms L3740F.
Identifiers: ClinVar variation 2757895 (VCV002757895.3), dbSNP rs2503844271, ClinGen allele CA391032951.
Genomic context (GRCh38, chr14:102,039,012, plus strand): 5'-ATACCTTTTGAAGGATTATTGCAAACTCTGGATGTTTTATTCATTTAAGGGGAATTTCAG[C>T]TCCGTTTGCGTCAGCTGGAAAAATCTCTACTACAAGCTCTGAACGAGGTGAAAGGGCGCA-3'
Protein context (NP_001367.2, residues 3730-3750): DLLKLQGEFQ[Leu3740Phe]RLRQLEKSLL

ClinVar aggregate classification (germline): Uncertain significance (1 of 4 stars; one submission).

Conditions:
Charcot-Marie-Tooth disease axonal type 2O. Also called: CHARCOT-MARIE-TOOTH NEUROPATHY, AXONAL, TYPE 2O; CHARCOT-MARIE-TOOTH DISEASE, AXONAL, AUTOSOMAL DOMINANT, TYPE 2O; Charcot-Marie-Tooth Neuropathy Type 2O; Charcot-Marie-Tooth disease, axonal, type 20. Identifiers: Orphanet 284232, MedGen C3280220, MONDO:0013644, OMIM 614228.

Submission:

Labcorp Genetics (formerly Invitae), Labcorp
Classification: Uncertain significance for Charcot-Marie-Tooth disease axonal type 2O. Last evaluated: 2023-09-04. Review status: criteria provided, single submitter. Criteria: Invitae Variant Classification Sherloc (09022015). Collection method: clinical testing. Allele origin: germline.
Comment: In summary, the available evidence is currently insufficient to determine the role of this variant in disease. Therefore, it has been classified as a Variant of Uncertain Significance. Advanced modeling of protein sequence and biophysical properties (such as structural, functional, and spatial information, amino acid conservation, physicochemical variation, residue mobility, and thermodynamic stability) has been performed at Invitae for this missense variant, however the output from this modeling did not meet the statistical confidence thresholds required to predict the impact of this variant on DYNC1H1 protein function. This variant has not been reported in the literature in individuals affected with DYNC1H1-related conditions. This variant is not present in population databases (gnomAD no frequency). This sequence change replaces leucine, which is neutral and non-polar, with phenylalanine, which is neutral and non-polar, at codon 3740 of the DYNC1H1 protein (p.Leu3740Phe).